The following is an entry in ClinVar:

ClinVar aggregate classification (germline): Conflicting classifications of pathogenicity. Review status: criteria provided, conflicting classifications (1 of 4 stars). 5 submissions from 5 submitters: Likely pathogenic (1); Uncertain significance (4). Last evaluated 2026-03-10.

Conditions:
Coenzyme Q10 deficiency, primary, 1. Also called: UBIQUINONE DEFICIENCY 1; COENZYME Q DEFICIENCY 1; CoQ DEFICIENCY 1. Identifiers: Orphanet 255249, MedGen C3551954, MONDO:0011829, OMIM 607426.

Allele frequency attached by ClinVar (database versions not stated): TOPMed below 0.00001; gnomAD exomes 0.00001.

Submissions (5):

Women's Health and Genetics/Laboratory Corporation of America, LabCorp
Classification: Uncertain significance. Last evaluated: 2026-03-10. Review status: criteria provided, single submitter. Criteria: LabCorp Variant Classification Summary - May 2015. Collection method: clinical testing. Allele origin: germline.
Comment: Variant summary: COQ2 c.403+4A>T alters a non-conserved nucleotide located close to a canonical splice site and therefore could affect mRNA splicing, leading to a significantly altered protein sequence. Several computational tools predict a significant impact on normal splicing: Five predict the variant weakens a 5' donor site. However, these predictions have yet to be confirmed by functional studies. The variant allele was found at a frequency of 5.9e-06 in 170228 control chromosomes. The available data on variant occurrences in the general population are insufficient to allow any conclusion about variant significance. To our knowledge, no occurrence of c.403+4A>T in individuals affected with COQ2-related conditions and no experimental evidence demonstrating its impact on protein function have been reported. ClinVar contains an entry for this variant (Variation ID: 813911). Based on the evidence outlined above, the variant was classified as uncertain significance.

Labcorp Genetics (formerly Invitae), Labcorp
Classification: Uncertain significance. Last evaluated: 2024-03-09. Review status: criteria provided, single submitter. Criteria: Invitae Variant Classification Sherloc (09022015). Collection method: clinical testing. Allele origin: germline.
Comment: This sequence change falls in intron 1 of the COQ2 gene. It does not directly change the encoded amino acid sequence of the COQ2 protein. It affects a nucleotide within the consensus splice site. The frequency data for this variant in the population databases is considered unreliable, as metrics indicate poor data quality at this position in the gnomAD database. This variant has not been reported in the literature in individuals affected with COQ2-related conditions. ClinVar contains an entry for this variant (Variation ID: 813911). Variants that disrupt the consensus splice site are a relatively common cause of aberrant splicing (PMID: 17576681, 9536098). Algorithms developed to predict the effect of sequence changes on RNA splicing suggest that this variant may disrupt the consensus splice site. In summary, the available evidence is currently insufficient to determine the role of this variant in disease. Therefore, it has been classified as a Variant of Uncertain Significance.

Blueprint Genetics
Classification: Uncertain significance. Last evaluated: 2024-02-09. Review status: criteria provided, single submitter. Criteria: ACMG Guidelines, 2015. Collection method: clinical testing. Allele origin: germline.

Department of Human Genetics, Hannover Medical School
Classification: Likely pathogenic for Coenzyme Q10 deficiency, primary, 1. Last evaluated: 2023-08-08. Review status: criteria provided, single submitter. Criteria: ACMG Guidelines, 2015. Collection method: clinical testing. Allele origin: germline. Inheritance: Autosomal recessive inheritance. Affected: yes.

Broad Center for Mendelian Genomics, Broad Institute of MIT and Harvard
Classification: Uncertain significance for Coenzyme Q10 deficiency, primary, 1. Last evaluated: 2023-05-02. Review status: criteria provided, single submitter. Criteria: ACMG Guidelines, 2015. Collection method: curation. Allele origin: germline. Inheritance: Autosomal recessive inheritance.
Comment: Trio exome analysis revealed that this variant was in trans with a variant of uncertain significance (ClinVar Variation ID: 1439). The c.403+4A>T variant in COQ2 has not been previously reported in individuals with primary coenzyme Q10 deficiency 1 but has been identified in 0.001% (1/69650) of European (non-Finnish) chromosomes by the Genome Aggregation Database (gnomAD; dbSNP ID: rs907149421). Although this variant has been seen in the general population in a heterozygous state, its frequency is low enough to be consistent with a recessive carrier frequency. This variant has also been reported in ClinVar (Variation ID: 813911) and has been interpreted as a variant of uncertain significance by the Broad Institute Rare Disease Group. This variant is located in the 5' splice region. Computational tools do suggest an impact to splicing. However, this information is not predictive enough to determine pathogenicity. In summary, the clinical significance of the c.403+4A>T variant is uncertain. ACMG/AMP Criteria applied: PM2_Supporting, PP3 (Richards 2015).

Literature cited by the submitters: PubMed 17576681 (cited by Labcorp Genetics (formerly Invitae), Labcorp); PubMed 9536098 (cited by Labcorp Genetics (formerly Invitae), Labcorp).

NM_001358921.2(COQ2):c.253+4A>T

Genes: COQ2 (coenzyme Q2, polyprenyltransferase; minus strand), LOC112997540 (Sharpr-MPRA regulatory region 13773; plus strand). Cytogenetic location: 4q21.23.
Variant type: single nucleotide variant.
Coding change: c.253+4A>T on transcript NM_001358921.2 (MANE Select); 4 bases into the intron after coding-DNA position 253, A replaced by T.
Molecular consequence: intron variant.
Genome position (GRCh38, 1-based): chr4:83,284,508, T>A on the plus strand (A>T on the coding strand, the complement: COQ2 is on the minus strand). VCF-style: chr4-83284508-T-A. GRCh37 (hg19) VCF-style: chr4-84205661-T-A.
Other names: c.403+4A>T (NM_015697.9).
Identifiers: ClinVar variation 813911 (VCV000813911.7), dbSNP rs907149421, ClinGen allele CA100656581.